The following is an entry in ClinVar:

ClinVar aggregate classification (germline): Uncertain significance. Review status: criteria provided, multiple submitters, no conflicts (2 of 4 stars). 3 submissions from 3 submitters: Uncertain significance (3). Last evaluated 2024-12-04.

Conditions:
Hypertrophic cardiomyopathy 10. Also called: CARDIOMYOPATHY, HYPERTROPHIC, MID-LEFT VENTRICULAR CHAMBER TYPE, 2; MYL2-Related Familial Hypertrophic Cardiomyopathy. Identifiers: MedGen C1834460, MONDO:0012112, OMIM 608758.
Cardiovascular phenotype. Identifiers: MedGen CN230736.

Allele frequency attached by ClinVar (database versions not stated): TOPMed below 0.00001.
gnomAD v4.1: 2 of 1,613,794 alleles (0.00012%); highest among the groups gnomAD compares: Non-Finnish European, 0.00017%; no homozygotes.

Submissions (3):

Ambry Genetics
Classification: Uncertain significance for Cardiovascular phenotype. Last evaluated: 2024-12-04. Review status: criteria provided, single submitter. Criteria: Ambry Variant Classification Scheme 2023. Collection method: clinical testing. Allele origin: germline.

Labcorp Genetics (formerly Invitae), Labcorp
Classification: Uncertain significance for Hypertrophic cardiomyopathy 10. Last evaluated: 2022-04-11. Review status: criteria provided, single submitter. Criteria: Invitae Variant Classification Sherloc (09022015). Collection method: clinical testing. Allele origin: germline.
Comment: In summary, the available evidence is currently insufficient to determine the role of this variant in disease. Therefore, it has been classified as a Variant of Uncertain Significance. Algorithms developed to predict the effect of missense changes on protein structure and function (SIFT, PolyPhen-2, Align-GVGD) all suggest that this variant is likely to be tolerated. ClinVar contains an entry for this variant (Variation ID: 928931). This variant has not been reported in the literature in individuals affected with MYL2-related conditions. This variant is not present in population databases (gnomAD no frequency). This sequence change replaces valine, which is neutral and non-polar, with leucine, which is neutral and non-polar, at codon 61 of the MYL2 protein (p.Val61Leu).

Women's Health and Genetics/Laboratory Corporation of America, LabCorp
Classification: Uncertain significance. Last evaluated: 2019-04-08. Review status: criteria provided, single submitter. Criteria: LabCorp Variant Classification Summary - May 2015. Collection method: clinical testing. Allele origin: germline.
Comment: Variant summary: MYL2 c.181G>C (p.Val61Leu) results in a conservative amino acid change located in the EF-hand domain of the encoded protein sequence. Three of five in-silico tools predict a damaging effect of the variant on protein function. The variant was absent in 246260 control chromosomes. The available data on variant occurrences in the general population are insufficient to allow any conclusion about variant significance. To our knowledge, no occurrence of c.181G>C in individuals affected with Cardiomyopathy and no experimental evidence demonstrating its impact on protein function have been reported. No clinical diagnostic laboratories have submitted clinical-significance assessments for this variant to ClinVar after 2014. Based on the evidence outlined above, the variant was classified as uncertain significance.

NM_000432.4(MYL2):c.181G>C (p.Val61Leu)

Gene: MYL2 (myosin light chain 2; minus strand). Cytogenetic location: 12q24.11.
Variant type: single nucleotide variant.
Coding change: c.181G>C on transcript NM_000432.4 (MANE Select); coding-DNA position 181, G replaced by C.
Protein change: p.Val61Leu; replaces valine 61 with leucine.
Molecular consequence: missense variant.
Genome position (GRCh38, 1-based): chr12:110,914,279, C>G on the plus strand (G>C on the coding strand, the complement: MYL2 is on the minus strand). VCF-style: chr12-110914279-C-G. GRCh37 (hg19) VCF-style: chr12-111352083-C-G.
Other names: short protein forms V61L.
Identifiers: ClinVar variation 928931 (VCV000928931.7), dbSNP rs730880949, ClinGen allele CA386698848.